The following is an entry in ClinVar:

ClinVar aggregate classification (germline): Uncertain significance. Review status: criteria provided, multiple submitters, no conflicts (2 of 4 stars). 2 submissions from 2 submitters: Uncertain significance (2). Last evaluated 2025-08-04.

Conditions:
Epilepsy, childhood absence, susceptibility to, 6. Identifiers: Orphanet 64280, MedGen C2749872, MONDO:0012763, OMIM 611942.
Hyperaldosteronism, familial, type IV (HALD4). Also called: FH IV; ALDOSTERONISM, PRIMARY, AND HYPERTENSION. Identifiers: Orphanet 642671, MedGen C4310756, MONDO:0014875, OMIM 617027.
Idiopathic generalized epilepsy. Also called: Generalised epilepsy; EIG. Identifiers: MedGen C0270850, MONDO:0005579, OMIM 600669.

Submissions (2):

Labcorp Genetics (formerly Invitae), Labcorp
Classification: Uncertain significance for Idiopathic generalized epilepsy; Hyperaldosteronism, familial, type IV. Last evaluated: 2025-08-04. Review status: criteria provided, single submitter. Criteria: Invitae Variant Classification Sherloc (09022015). Collection method: clinical testing. Allele origin: germline.
Comment: This sequence change replaces proline, which is neutral and non-polar, with alanine, which is neutral and non-polar, at codon 689 of the CACNA1H protein (p.Pro689Ala). This variant is not present in population databases (gnomAD no frequency). This variant has not been reported in the literature in individuals affected with CACNA1H-related conditions. ClinVar contains an entry for this variant (Variation ID: 3578298). Invitae Evidence Modeling of protein sequence and biophysical properties (such as structural, functional, and spatial information, amino acid conservation, physicochemical variation, residue mobility, and thermodynamic stability) indicates that this missense variant is not expected to disrupt CACNA1H protein function with a negative predictive value of 80%. In summary, the available evidence is currently insufficient to determine the role of this variant in disease. Therefore, it has been classified as a Variant of Uncertain Significance.

Fulgent Genetics
Classification: Uncertain significance for Epilepsy, childhood absence, susceptibility to, 6; Hyperaldosteronism, familial, type IV. Last evaluated: 2024-05-18. Review status: criteria provided, single submitter. Criteria: ACMG Guidelines, 2015. Collection method: clinical testing. Allele origin: germline.

NM_021098.3(CACNA1H):c.2065C>G (p.Pro689Ala)

Gene: CACNA1H (calcium voltage-gated channel subunit alpha1 H; plus strand). Cytogenetic location: 16p13.3.
Variant type: single nucleotide variant.
Coding change: c.2065C>G on transcript NM_021098.3 (MANE Select); coding-DNA position 2065, C replaced by G.
Protein change: p.Pro689Ala; replaces proline 689 with alanine.
Molecular consequence: missense variant.
Genome position (GRCh38, 1-based): chr16:1,204,072, C>G. VCF-style: chr16-1204072-C-G. GRCh37 (hg19) VCF-style: chr16-1254072-C-G.
Other names: c.2065C>G, p.Pro689Ala (NM_001005407.2); short protein forms P689A.
Identifiers: ClinVar variation 3578298 (VCV003578298.2).